The following is an entry in ClinVar:

NM_000155.4(GALT):c.140A>G (p.His47Arg)

Genes: GALT (galactose-1-phosphate uridylyltransferase; plus strand), LOC130001683 (ATAC-STARR-seq lymphoblastoid active region 28314; plus strand). Cytogenetic location: 9p13.3.
Variant type: single nucleotide variant.
Coding change: c.140A>G on transcript NM_000155.4 (MANE Select); coding-DNA position 140, A replaced by G.
Protein change: p.His47Arg; replaces histidine 47 with arginine.
Molecular consequence: missense variant. On other transcripts: 5 prime UTR variant (1).
Genome position (GRCh38, 1-based): chr9:34,647,146, A>G. VCF-style: chr9-34647146-A-G. GRCh37 (hg19) VCF-style: chr9-34647143-A-G.
Other names: c.-63A>G (NM_001258332.2); short protein forms H47R.
Identifiers: ClinVar variation 1098803 (VCV001098803.1), dbSNP rs2132341581, ClinGen allele CA373278601.

ClinVar aggregate classification (germline): Uncertain significance (1 of 4 stars; one submission).

Submission:

Women's Health and Genetics/Laboratory Corporation of America, LabCorp
Classification: Uncertain significance. Last evaluated: 2021-04-18. Review status: criteria provided, single submitter. Criteria: LabCorp Variant Classification Summary - May 2015. Collection method: clinical testing. Allele origin: germline.
Comment: Variant summary: GALT c.140A>G (p.His47Arg) results in a non-conservative amino acid change located in the Galactose-1-phosphate uridyl transferase, N-terminal domain (IPR005849) of the encoded protein sequence. Five of five in-silico tools predict a damaging effect of the variant on protein function. The variant was absent in 251430 control chromosomes. The available data on variant occurrences in the general population are insufficient to allow any conclusion about variant significance. To our knowledge, no occurrence of c.140A>G in individuals affected with Galactosemia and no experimental evidence demonstrating its impact on protein function have been reported. No clinical diagnostic laboratories have submitted clinical-significance assessments for this variant to ClinVar after 2014. Based on the evidence outlined above, the variant was classified as uncertain significance.